The following is an entry in ClinVar:

ClinVar aggregate classification (germline): Pathogenic. Review status: criteria provided, multiple submitters, no conflicts (2 of 4 stars). 6 submissions from 6 submitters: Pathogenic (4). 2 of the submissions do not count toward it. Last evaluated 2026-07-15.

Conditions:
Cardiovascular phenotype. Identifiers: MedGen CN230736.
Primary dilated cardiomyopathy (DCM). Also called: Dilated Cardiomyopathy. Identifiers: Orphanet 217604, MedGen C0007193, MeSH D002311, MONDO:0005021, HP:0001644. Inheritance: Various modes of inheritance.
Charcot-Marie-Tooth disease type 2. Also called: Charcot-Marie-Tooth type 2. Identifiers: Orphanet 64746, MedGen C0270914, MONDO:0018993.
Cardiomyopathy (CMYO). Also called: Cardiomyopathies. Identifiers: Orphanet 167848, MedGen C0878544, MONDO:0004994, HP:0001638. Inheritance: Various modes of inheritance.

Submissions (6):

Ambry Genetics
Classification: Pathogenic for Cardiovascular phenotype. Last evaluated: 2026-07-15. Review status: criteria provided, single submitter. Criteria: Ambry Variant Classification Scheme 2023. Collection method: clinical testing. Allele origin: germline.
Comment: The p.Q234* pathogenic mutation (also known as c.700C>T), located in coding exon 4 of the LMNA gene, results from a C to T substitution at nucleotide position 700. This changes the amino acid from a glutamine to a stop codon within coding exon 4. This variant was reported in individual(s) with features consistent with LMNA-related laminopathy (Pugh TJ et al. Genet Med, 2014 Aug;16:601-8; Parks SB et al. Am Heart J, 2008 Jul;156:161-9; Walsh R et al. Genet Med, 2017 Feb;19:192-203). This variant is considered to be rare based on population cohorts in the Genome Aggregation Database (gnomAD). This alteration is expected to result in loss of function by premature protein truncation or nonsense-mediated mRNA decay. As such, this alteration is interpreted as a disease-causing mutation.

Color Diagnostics, LLC DBA Color Health
Classification: Pathogenic for Cardiomyopathy. Last evaluated: 2022-11-15. Review status: criteria provided, single submitter. Criteria: ACMG Guidelines, 2015. Collection method: clinical testing. Allele origin: germline.
Comment: This variant changes 1 nucleotide in exon 4 of the intermediate filament rod domain of the lamin A/C protein, creating a premature translation stop signal. This variant is expected to result in an absent or non-functional protein product. This variant has been reported in individuals affected with dilated cardiomyopathy (PMID: 18585512, 22337857, 23582089, 24503780, 27532257). This variant has not been identified in the general population by the Genome Aggregation Database (gnomAD). Loss of LMNA function is a known mechanism of disease. Based on the available evidence, this variant is classified as Pathogenic.

Labcorp Genetics (formerly Invitae), Labcorp
Classification: Pathogenic for Charcot-Marie-Tooth disease type 2. Last evaluated: 2021-04-23. Review status: criteria provided, single submitter. Criteria: Invitae Variant Classification Sherloc (09022015). Collection method: clinical testing. Allele origin: germline.
Comment: This sequence change creates a premature translational stop signal (p.Gln234*) in the LMNA gene. It is expected to result in an absent or disrupted protein product. This variant is not present in population databases (ExAC no frequency). This variant has been reported in several individuals affected with autosomal-dominant LMNA-related disease (PMID: 18585512, 27532257, 24503780). ClinVar contains an entry for this variant (Variation ID: 48075). Loss-of-function variants in LMNA are known to be pathogenic (PMID: 18585512, 18926329). For these reasons, this variant has been classified as Pathogenic.

GeneDx
Classification: Pathogenic. Last evaluated: 2020-05-13. Review status: criteria provided, single submitter. Criteria: GeneDx Variant Classification Process June 2021. Collection method: clinical testing. Allele origin: germline. Affected: yes.
Comment: Not observed in large population cohorts (Lek et al., 2016); Nonsense variant predicted to result in protein truncation or nonsense mediated decay in a gene for which loss-of-function is a known mechanism of disease; This variant is associated with the following publications: (PMID: 18585512, 31402444, 25525159, 21639948, 24846508, 27532257, 27576561, 24503780, 23582089)

Laboratory for Molecular Medicine, Mass General Brigham Personalized Medicine
Classification: Likely pathogenic for Primary dilated cardiomyopathy. Last evaluated: 2009-11-03. Review status: no assertion criteria provided. Collection method: clinical testing. Allele origin: germline. Observed: 1 variant allele. Not counted in ClinVar's aggregate classification.

Epithelial Biology;  Institute of Medical Biology, Singapore
No classification provided. Review status: no classification provided. Collection method: not provided. Allele origin: not provided. Not counted in ClinVar's aggregate classification.

Literature cited by the submitters: PubMed 18585512 (cited by 4 submitters); PubMed 24503780 (cited by 3 submitters); PubMed 27532257 (cited by 3 submitters); PubMed 22337857 (cited by Color Diagnostics, LLC DBA Color Health); PubMed 23582089 (cited by Color Diagnostics, LLC DBA Color Health); PubMed 18926329 (cited by Labcorp Genetics (formerly Invitae), Labcorp).

NM_170707.4(LMNA):c.700C>T (p.Gln234Ter)

Gene: LMNA (lamin A/C; plus strand). Cytogenetic location: 1q22.
Variant type: single nucleotide variant.
Coding change: c.700C>T on transcript NM_170707.4 (MANE Select); coding-DNA position 700, C replaced by T.
Protein change: p.Gln234Ter; replaces glutamine 234 with a stop codon.
Molecular consequence: nonsense.
Genome position (GRCh38, 1-based): chr1:156,134,865, C>T. VCF-style: chr1-156134865-C-T. GRCh37 (hg19) VCF-style: chr1-156104656-C-T.
Other names: c.364C>T, p.Gln122Ter (NM_001257374.3); c.457C>T, p.Gln153Ter (NM_001282624.2); c.700C>T, p.Gln234Ter (NM_001282625.2, NM_001282626.2, NM_005572.4 and 1 more transcripts); short protein forms Q234*, Q153*, Q122*.
Identifiers: ClinVar variation 48075 (VCV000048075.20), dbSNP rs267607573, ClinGen allele CA018478.